The following is an entry in ClinVar:

ClinVar aggregate classification (germline): Uncertain significance (1 of 4 stars; one submission).

Submission:

Labcorp Genetics (formerly Invitae), Labcorp
Classification: Uncertain significance. Last evaluated: 2023-09-25. Review status: criteria provided, single submitter. Criteria: Invitae Variant Classification Sherloc (09022015). Collection method: clinical testing. Allele origin: germline.
Comment: In summary, the available evidence is currently insufficient to determine the role of this variant in disease. Therefore, it has been classified as a Variant of Uncertain Significance. Experimental studies and prediction algorithms are not available or were not evaluated, and the functional significance of this variant is currently unknown. This variant has not been reported in the literature in individuals affected with RASA2-related conditions. This variant is not present in population databases (gnomAD no frequency). This sequence change replaces proline, which is neutral and non-polar, with threonine, which is neutral and polar, at codon 24 of the RASA2 protein (p.Pro24Thr).

NM_006506.5(RASA2):c.70C>A (p.Pro24Thr)

Genes: RASA2 (RAS p21 protein activator 2; plus strand), LOC129937686 (ATAC-STARR-seq lymphoblastoid silent region 14777; plus strand). Cytogenetic location: 3q23.
Variant type: single nucleotide variant.
Coding change: c.70C>A on transcript NM_006506.5 (MANE Select); coding-DNA position 70, C replaced by A.
Protein change: p.Pro24Thr; replaces proline 24 with threonine.
Molecular consequence: missense variant.
Genome position (GRCh38, 1-based): chr3:141,487,153, C>A. VCF-style: chr3-141487153-C-A. GRCh37 (hg19) VCF-style: chr3-141205995-C-A.
Other names: c.70C>A, p.Pro24Thr (NM_001303245.3, NM_001303246.3); short protein forms P24T.
Identifiers: ClinVar variation 3003408 (VCV003003408.3), dbSNP rs2478325459, ClinGen allele CA354773791.